The following is an entry in ClinVar:

ClinVar aggregate classification (germline): Uncertain significance. Review status: reviewed by expert panel (3 of 4 stars). 20 submissions from 20 submitters: Uncertain significance (1). 19 of the submissions do not count toward it. Last evaluated 2012-04-10.

Conditions:
Cystic fibrosis diagnostic test.
CFTR-related disorder (CFTR-RD). Also called: CFTR-related condition; CFTR-related disorders. Identifiers: MedGen C5924204, MONDO:7770004.
Hereditary pancreatitis (PCTT). Also called: PRSS1-Related Hereditary Pancreatitis; Hereditary chronic pancreatitis. Identifiers: Orphanet 676, MedGen C0238339, MONDO:0008185, OMIM 167800.
Bronchiectasis with or without elevated sweat chloride 1 (BESC1). Also called: Cystic Fibrosis-Like Syndrome. Identifiers: Orphanet 60033, MedGen C2749757, MONDO:0008887, OMIM 211400.
Congenital bilateral aplasia of vas deferens from CFTR mutation (CBAVD). Identifiers: Orphanet 48, MedGen C0403814, MONDO:0010178, OMIM 277180. Disease mechanism: loss of function.
Cystic fibrosis (CF). Also called: MUCOVISCIDOSIS. Identifiers: Orphanet 586, MedGen C0010674, MONDO:0009061, OMIM 219700. Disease mechanism: loss of function.

Allele frequency attached by ClinVar (database versions not stated): ExAC 0.00002; gnomAD exomes 0.00006 and 0.00019; ESP Exome Variant Server 0.00008; gnomAD 0.00009; TOPMed 0.00011.

Submissions 1 to 7 of 20:

CFTR2
Classification: Uncertain significance for Cystic fibrosis. Last evaluated: 2012-04-10. Review status: reviewed by expert panel. Criteria: Submitter's publication and website. Collection method: research. Allele origin: germline. Affected: yes.

PreventionGenetics, part of Exact Sciences
Classification: Likely pathogenic for CFTR-related condition. Last evaluated: 2026-07-27. Review status: criteria provided, single submitter. Criteria: ACMG Guidelines, 2015. Collection method: clinical testing. Allele origin: germline. Not counted in ClinVar's aggregate classification.
Comment: The CFTR c.2657+2_2657+3insA variant is predicted to result in an in-frame amino acid insertion (Intronic). This variant, also described as 2789+2insA using legacy nomenclature, is predicted to abolish the splice donor site at the boundary of exon 16 and intron 16 based on available splicing prediction programs (SpliceAI, Jaganathan et al. 2019. PubMed ID: 30661751). A minigene assay showed this variant produced full-length CFTR mRNA at levels comparable to control; however, exon 16 was skipped in approximately 14.4% of transcripts, which is predicted to result in a truncating frameshift and nonsense-mediated decay (Sharma et al. 2014. PubMed ID: 25066652). In vitro functional studies suggest this variant results in a partial reduction in chloride channel current (Joynt et al. 2020. PubMed ID: 33085659). This variant has been reported in the presumed compound heterozygous state with pathogenic CFTR variants in multiple individuals with varying clinical presentations including cystic fibrosis with and without pancreatic sufficiency, and obstructive azoospermia with hypoplasia of the vas deferens (Jezequel et al. 2000. PubMed ID: 11101688; Davé et al. 2005. PubMed ID: 15754262; McGinniss et al. 2005. PubMed ID: 16189704; Coffey et al. 2016. PubMed ID: 27837951; St Onge et al. 2019. PubMed ID: 31420175). This variant is classified as a variant of uncertain significance in ClinVar by a ClinGen expert panel (Variation ID: 53536) and is noted to have varying consequences in the CFTR2 database. This variant is reported in 0.013% of alleles in individuals of European (non-Finnish) descent in gnomAD. Taken together, we interpret this variant as likely pathogenic.

Labcorp Genetics (formerly Invitae), Labcorp
Classification: Pathogenic for Cystic fibrosis. Last evaluated: 2026-01-25. Review status: criteria provided, single submitter. Criteria: Invitae Variant Classification Sherloc (09022015). Collection method: clinical testing. Allele origin: germline. Not counted in ClinVar's aggregate classification.
Comment: This sequence change falls in intron 16 of the CFTR gene. It does not directly change the encoded amino acid sequence of the CFTR protein. It affects a nucleotide within the consensus splice site. This variant is present in population databases (rs397508414, gnomAD 0.01%). This variant has been observed in individual(s) with cystic fibrosis, atypical/non-classic CF and/or borderline sweat chloride (PMID: 11101688, 12167682, 16189704, 18195584, 23974870, 24586523; internal data). In at least one individual the data is consistent with being in trans (on the opposite chromosome) from a pathogenic variant. This variant is also known as c.2789+2insA. ClinVar contains an entry for this variant (Variation ID: 53536). Variants that disrupt the consensus splice site are a relatively common cause of aberrant splicing (PMID: 17576681, 9536098). Studies have shown that this variant does not affect mRNA splicing (PMID: 23974870, 25066652). For these reasons, this variant has been classified as Pathogenic.

Natera, Inc.
Classification: Pathogenic for CFTR-related disorders. Last evaluated: 2025-11-12. Review status: criteria provided, single submitter. Criteria: Natera Variant Classification Schema (03/2026). Collection method: clinical testing. Allele origin: germline. Not counted in ClinVar's aggregate classification.
Comment: The c.2657+2_2657+3insA variant in CFTR is a canonical splice donor site variant predicted to affect pre-mRNA splicing, which may result in an abnormal transcript and altered protein product. This variant is rare in the general population with a frequency below the threshold expected for the associated phenotype(s). This variant has been observed in one or more individuals affected with the associated recessive disease, as either homozygous or compound heterozygous with a second variant (PMID: 16189704, 17283574, 20031113, 24586523, 29884450, 29944384, 32265339). Computational prediction algorithms indicate this variant is likely to affect gene or protein function. Given the available evidence, this variant is classified as Pathogenic.

NHS Central & South Genomic Laboratory Hub
Classification: Likely pathogenic for Cystic fibrosis diagnostic test. Last evaluated: 2025-10-21. Review status: criteria provided, single submitter. Criteria: ACMG Guidelines, 2015. Collection method: clinical testing. Allele origin: germline. Affected: yes. Not counted in ClinVar's aggregate classification.

Ambry Genetics
Classification: Likely pathogenic for Cystic fibrosis. Last evaluated: 2025-09-25. Review status: criteria provided, single submitter. Criteria: Ambry Variant Classification Scheme 2023. Collection method: clinical testing. Allele origin: germline. Not counted in ClinVar's aggregate classification.
Comment: The c.2657+2_2657+3insA intronic variant, results from an insertion of one nucleotide (A) after position 2657+2, two bases downstream of coding exon 16 of the CFTR gene. This variant has been identified in the homozygous state and/or in conjunction with other CFTR variant(s) in individual(s) with features consistent with cystic fibrosis; in at least one instance, the variants were identified in trans (Ambry internal data; J&eacute;z&eacute;quel P et al. Mol. Hum. Reprod., 2000 Dec;6:1063-7; Dav&eacute; S et al. Am. J. Kidney Dis., 2005 Mar;45:e41-4; McGinniss MJ et al. Hum. Genet., 2005 Dec;118:331-8; Zitkiewicz E et al. PLoS ONE, 2014 Feb;9:e89094). One in vitro minigene study showed that this variant produces predominantly normal, but also some aberrantly spliced isoforms (Sharma N et al. Hum. Mutat., 2014 Oct;35:1249-59). In silico splice site analysis predicts that this alteration will weaken the native splice donor site. Based on the majority of available evidence to date, this variant is likely to be pathogenic.

ARUP Laboratories, Molecular Genetics and Genomics, ARUP Laboratories
Classification: Likely pathogenic for Cystic fibrosis; Bronchiectasis with or without elevated sweat chloride 1; Hereditary pancreatitis; Congenital bilateral aplasia of vas deferens from CFTR mutation. Last evaluated: 2025-04-21. Review status: criteria provided, single submitter. Criteria: ARUP Molecular Germline Variant Investigation Process 2024. Collection method: clinical testing. Allele origin: germline. Not counted in ClinVar's aggregate classification.
Comment: The CFTR c.2657+2_2657+3insA variant (rs397508414), also known as 2789+2insA, has been described in the literature in individuals with mild and atypical cystic fibrosis such as congenital bilateral absence of the vas deferens (CBAVD) when in combination with a severe pathogenic variant on the opposite chromosome (Jezequel 2000, McGinniss 2005, Sosnay 2013, CFTR2 database). Additionally, in testing performed at ARUP Laboratories, this variant has been identified in individuals with pancreatitis or CBAVD that also carried additional CFTR pathogenic variants. The c.2657+2_2657+3insA variant is reported in ClinVar (Variation ID: 53536) and is found in the non-Finnish European population at an overall frequency of 0.01% (17/129184 alleles) in the Genome Aggregation Database. This variant inserts a single nucleotide within a conserved splice donor sequence, and computational analyses (Alamut v.2.11) predict that this variant may impact splicing by weakening the canonical donor splice site. However, in vitro functional studies demonstrate residual transcript and protein function (Joynt 2020, Sharma 2014), although it is uncertain if these assays reflect the expression of this variant from its native locus. Given its incidence in affected individuals who harbor a second severe pathogenic CFTR variant, the c.2657+2_2657+3insA variant is considered likely pathogenic for CFTR-related disorders. References: CFTR2 database: Jezequel P et al. Molecular screening of the CFTR gene in men with anomalies of the vas deferens: identification of three novel mutations. Mol Hum Reprod. 2000 Dec; 6(12):1063-7. PMID: 11101688. Joynt AT et al. Evaluation of both exonic and intronic variants for effects on RNA splicing allows for accurate assessment of the effectiveness of precision therapies. PLoS Genet. 2020 Oct 21;16(10):e1009100. PMID: 33085659. McGinniss MJ et al. Extensive sequencing of the CFTR gene: lessons learned from the first 157 patient samples. Hum Genet. 2005; 118(3-4):331-8. PMID: 16189704. Sharma N et al. Experimental assessment of splicing variants using expression minigenes and comparison with in silico predictions. Hum Mutat. 2014 Oct;35(10):1249-59. PMID: 25066652. Sosnay PR et al. Defining the disease liability of variants in the cystic fibrosis transmembrane conductance regulator gene. Nat Genet. 2013 Oct;45(10):1160-7. PMID: 23974870.

NM_000492.4(CFTR):c.2657+2_2657+3insA

Gene: CFTR (CF transmembrane conductance regulator; plus strand). Cytogenetic location: 7q31.2.
Variant type: Insertion.
Coding change: c.2657+2_2657+3insA on transcript NM_000492.4 (MANE Select); the canonical splice donor site of the intron after coding-DNA position 2657 through 3 bases into the intron after coding-DNA position 2657, A inserted.
Molecular consequence: intron variant.
Genome position: GRCh38 VCF-style: chr7-117602865-T-TA. GRCh37 (hg19) VCF-style: chr7-117242919-T-TA.
Identifiers: ClinVar variation 53536 (VCV000053536.52), dbSNP rs397508414, ClinGen allele CA221013.